The following is an entry in ClinVar:

NM_016239.4(MYO15A):c.5899C>T (p.Arg1967Cys)

Gene: MYO15A (myosin XVA; plus strand). Cytogenetic location: 17p11.2.
Variant type: single nucleotide variant.
Coding change: c.5899C>T on transcript NM_016239.4 (MANE Select); coding-DNA position 5899, C replaced by T.
Protein change: p.Arg1967Cys; replaces arginine 1967 with cysteine.
Molecular consequence: missense variant.
Genome position (GRCh38, 1-based): chr17:18,142,829, C>T. VCF-style: chr17-18142829-C-T. GRCh37 (hg19) VCF-style: chr17-18046143-C-T.
Other names: short protein forms R1967C.
Identifiers: ClinVar variation 3372692 (VCV003372692.1).
Genomic context (GRCh38, chr17:18,142,829, plus strand): 5'-CAGATGAGGAGGAGTCTGGTGAAGTTCCGGTCCCTGGTACACGCATACGTGAGCCGCCGA[C>T]GCTATCTCAAGGTATAGGCCCTACCCTATCTGGGTCCAAGGGGACAGCAGAGAAGGGGAA-3'
Protein context (NP_057323.3, residues 1957-1977): SLVHAYVSRR[Arg1967Cys]YLKLRAEWRC

ClinVar aggregate classification (germline): Uncertain significance (1 of 4 stars; one submission).

gnomAD v4.1: 6 of 1,612,218 alleles (0.00037%); highest among the groups gnomAD compares: South Asian, 0.0033%; no homozygotes.

Submission:

GeneDx
Classification: Uncertain significance. Last evaluated: 2024-04-19. Review status: criteria provided, single submitter. Criteria: GeneDx Variant Classification Process June 2021. Collection method: clinical testing. Allele origin: germline. Affected: yes.
Comment: In silico analysis supports that this missense variant has a deleterious effect on protein structure/function; Has not been previously published as pathogenic or benign to our knowledge